The following is an entry in ClinVar:

ClinVar aggregate classification (germline): Likely benign. Review status: criteria provided, single submitter (1 of 4 stars). 2 submissions from 2 submitters: Likely benign (1). 1 of the submissions does not count toward it. Last evaluated 2026-01-14.

Conditions:
RSPH1-related disorder. Also called: RSPH1-related condition.
Primary ciliary dyskinesia. Also called: Ciliary dyskinesia. Identifiers: Orphanet 244, MedGen C0008780, MONDO:0016575, HP:0012265.

Allele frequency attached by ClinVar (database versions not stated): gnomAD exomes below 0.00001; ExAC 0.00001; gnomAD 0.00005 and 0.00006; TOPMed 0.00005; ESP Exome Variant Server 0.00008; 1000 Genomes Project 30x 0.00016; 1000 Genomes Project 0.00020.
gnomAD v4.1: 16 of 1,609,948 alleles (0.00099%); highest among the groups gnomAD compares: African/African-American, 0.019%; no homozygotes.

Submissions (2):

Labcorp Genetics (formerly Invitae), Labcorp
Classification: Likely benign for Primary ciliary dyskinesia. Last evaluated: 2026-01-14. Review status: criteria provided, single submitter. Criteria: Invitae Variant Classification Sherloc (09022015). Collection method: clinical testing. Allele origin: germline.

PreventionGenetics, part of Exact Sciences
Classification: Likely benign for RSPH1-related condition. Last evaluated: 2019-07-18. Review status: no assertion criteria provided. Collection method: clinical testing. Allele origin: germline. Not counted in ClinVar's aggregate classification.
Comment: This variant is classified as likely benign based on ACMG/AMP sequence variant interpretation guidelines (Richards et al. 2015 PMID: 25741868, with internal and published modifications).

NM_080860.4(RSPH1):c.55-8T>C

Genes: RSPH1 (radial spoke head component 1; minus strand), LOC126653391 (CDK7 strongly-dependent group 2 enhancer GRCh37_chr21:43912470-43913669; plus strand). Cytogenetic location: 21q22.3.
Variant type: single nucleotide variant.
Coding change: c.55-8T>C on transcript NM_080860.4 (MANE Select); 8 bases into the intron before coding-DNA position 55, T replaced by C.
Molecular consequence: intron variant.
Genome position (GRCh38, 1-based): chr21:42,493,087, A>G on the plus strand (T>C on the coding strand, the complement: RSPH1 is on the minus strand). VCF-style: chr21-42493087-A-G. GRCh37 (hg19) VCF-style: chr21-43913197-A-G.
Other names: c.55-224T>C (NM_001286506.2).
Identifiers: ClinVar variation 700480 (VCV000700480.8), dbSNP rs368421971, ClinGen allele CA10044081.